The following is an entry in ClinVar:

NM_000059.4(BRCA2):c.1839A>G (p.Leu613=)

Gene: BRCA2 (BRCA2 DNA repair associated; plus strand). Cytogenetic location: 13q13.1.
Variant type: single nucleotide variant.
Coding change: c.1839A>G on transcript NM_000059.4 (MANE Select); coding-DNA position 1839, A replaced by G.
Protein change: p.Leu613=; no amino-acid change (leucine 613 retained).
Molecular consequence: synonymous variant.
Genome position (GRCh38, 1-based): chr13:32,333,317, A>G. VCF-style: chr13-32333317-A-G. GRCh37 (hg19) VCF-style: chr13-32907454-A-G.
Identifiers: ClinVar variation 381242 (VCV000381242.16), dbSNP rs1057520988, ClinGen allele CA16607459.
Genomic context (GRCh38, chr13:32,333,317, plus strand): 5'-TATACATGATGAAACATCTTATAAAGGAAAAAAAATACCGAAAGACCAAAAATCAGAACT[A>G]ATTAACTGTTCAGCCCAGTTTGAAGCAAATGCTTTTGAAGCACCACTTACATTTGCAAAT-3'
Protein context (NP_000050.3, residues 603-623): KKIPKDQKSE[Leu613=]INCSAQFEAN

ClinVar aggregate classification (germline): Likely benign. Review status: criteria provided, multiple submitters, no conflicts (2 of 4 stars). 5 submissions from 5 submitters: Likely benign (5). Last evaluated 2026-01-19.

Conditions:
Hereditary cancer-predisposing syndrome. Also called: Hereditary neoplastic syndrome; Tumor predisposition; Neoplastic Syndromes, Hereditary; Hereditary Cancer Syndrome. Identifiers: Orphanet 140162, MedGen C0027672, MeSH D009386, MONDO:0015356.
Hereditary breast ovarian cancer syndrome. Also called: Breast and ovarian cancer; Hereditary breast and ovarian cancer syndrome; Hereditary breast and ovarian cancer; Hereditary breast and/or ovarian cancer syndrome; Hereditary breast and ovarian cancer syndrome (HBOC); BRCA1- and BRCA2-Associated Hereditary Breast and Ovarian Cancer. Identifiers: Orphanet 145, MedGen C0677776, MeSH D061325, MONDO:0003582. Disease mechanism: loss of function.
Breast-ovarian cancer, familial, susceptibility to, 2 (BROVCA2). Also called: BRCA2 Hereditary Breast and Ovarian Cancer. Identifiers: Orphanet 145, MedGen C2675520, MONDO:0012933, OMIM 612555. Disease mechanism: loss of function.

Allele frequency attached by ClinVar (database versions not stated): gnomAD exomes below 0.00001.
gnomAD v4.1: 2 of 1,608,538 alleles (0.00012%); highest among the groups gnomAD compares: South Asian, 0.0011%; no homozygotes.

Submissions (5):

Labcorp Genetics (formerly Invitae), Labcorp
Classification: Likely benign for Hereditary breast ovarian cancer syndrome. Last evaluated: 2026-01-19. Review status: criteria provided, single submitter. Criteria: Invitae Variant Classification Sherloc (09022015). Collection method: clinical testing. Allele origin: germline.

All of Us Research Program, National Institutes of Health
Classification: Likely benign for Breast-ovarian cancer, familial, susceptibility to, 2. Last evaluated: 2023-10-30. Review status: criteria provided, single submitter. Criteria: ACMG Guidelines, 2015. Collection method: clinical testing. Allele origin: germline. Inheritance: Autosomal dominant inheritance. Observed: 1 variant allele, 1 heterozygote.
Comment: This study involves interpretation of variants in research participants for the purpose of population health screening. Participant phenotype was not available at the time of variant classification. Additional details can be found in publication PMID: 35346344, PMCID: PMC8962531

Ambry Genetics
Classification: Likely benign for Hereditary cancer-predisposing syndrome. Last evaluated: 2023-09-21. Review status: criteria provided, single submitter. Criteria: Ambry Variant Classification Scheme 2023. Collection method: clinical testing. Allele origin: germline.

Color Diagnostics, LLC DBA Color Health
Classification: Likely benign for Hereditary cancer-predisposing syndrome. Last evaluated: 2017-03-23. Review status: criteria provided, single submitter. Criteria: ACMG Guidelines, 2015. Collection method: clinical testing. Allele origin: germline.

GeneDx
Classification: Likely benign. Last evaluated: 2015-10-23. Review status: criteria provided, single submitter. Criteria: GeneDx Variant Classification (06012015). Collection method: clinical testing. Allele origin: germline. Affected: yes.
Comment: This variant is considered likely benign or benign based on one or more of the following criteria: it is a conservative change, it occurs at a poorly conserved position in the protein, it is predicted to be benign by multiple in silico algorithms, and/or has population frequency not consistent with disease.